The following is an entry in ClinVar:

ClinVar aggregate classification (germline): Uncertain significance (1 of 4 stars; one submission).

Submission:

Labcorp Genetics (formerly Invitae), Labcorp
Classification: Uncertain significance. Last evaluated: 2024-04-17. Review status: criteria provided, single submitter. Criteria: Invitae Variant Classification Sherloc (09022015). Collection method: clinical testing. Allele origin: germline.
Comment: This sequence change replaces glutamic acid, which is acidic and polar, with glutamine, which is neutral and polar, at codon 611 of the KAT6A protein (p.Glu611Gln). This variant is not present in population databases (gnomAD no frequency). This variant has not been reported in the literature in individuals affected with KAT6A-related conditions. Advanced modeling of protein sequence and biophysical properties (such as structural, functional, and spatial information, amino acid conservation, physicochemical variation, residue mobility, and thermodynamic stability) has been performed at Invitae for this missense variant, however the output from this modeling did not meet the statistical confidence thresholds required to predict the impact of this variant on KAT6A protein function. In summary, the available evidence is currently insufficient to determine the role of this variant in disease. Therefore, it has been classified as a Variant of Uncertain Significance.

NM_006766.5(KAT6A):c.1831G>C (p.Glu611Gln)

Gene: KAT6A (lysine acetyltransferase 6A; minus strand). Cytogenetic location: 8p11.21.
Variant type: single nucleotide variant.
Coding change: c.1831G>C on transcript NM_006766.5 (MANE Select); coding-DNA position 1831, G replaced by C.
Protein change: p.Glu611Gln; replaces glutamic acid 611 with glutamine.
Molecular consequence: missense variant.
Genome position (GRCh38, 1-based): chr8:41,947,822, C>G on the plus strand (G>C on the coding strand, the complement: KAT6A is on the minus strand). VCF-style: chr8-41947822-C-G. GRCh37 (hg19) VCF-style: chr8-41805340-C-G.
Other names: c.1831G>C, p.Glu611Gln (NM_001305878.2); short protein forms E611Q.
Identifiers: ClinVar variation 3621831 (VCV003621831.2).